The following is an entry in ClinVar:

ClinVar aggregate classification (germline): Likely benign. Review status: criteria provided, multiple submitters, no conflicts (2 of 4 stars). 3 submissions from 3 submitters: Likely benign (3). Last evaluated 2025-12-24.

Conditions:
Long QT syndrome (LQTS). Identifiers: MedGen C0023976, MeSH D008133, MONDO:0002442. Disease mechanism: loss of function. Inheritance: Various modes of inheritance.
Cardiac arrhythmia. Also called: Cardiac rhythm disease; Arrhythmia. Identifiers: MedGen C0003811, MONDO:0007263, HP:0011675.

Allele frequency attached by ClinVar (database versions not stated): TOPMed 0.00004; gnomAD exomes below 0.00001; gnomAD 0.00001.
gnomAD v4.1: 1 of 1,614,168 alleles (0.000062%); highest among the groups gnomAD compares: African/African-American, 0.0013%; no homozygotes.

Submissions (3):

Labcorp Genetics (formerly Invitae), Labcorp
Classification: Likely benign for Long QT syndrome. Last evaluated: 2025-12-24. Review status: criteria provided, single submitter. Criteria: Invitae Variant Classification Sherloc (09022015). Collection method: clinical testing. Allele origin: germline.

Color Diagnostics, LLC DBA Color Health
Classification: Likely benign for Cardiac arrhythmia. Last evaluated: 2022-11-06. Review status: criteria provided, single submitter. Criteria: ACMG Guidelines, 2015. Collection method: clinical testing. Allele origin: germline.

GeneDx
Classification: Likely benign. Last evaluated: 2018-01-05. Review status: criteria provided, single submitter. Criteria: GeneDx Variant Classification (06012015). Collection method: clinical testing. Allele origin: germline. Affected: yes.
Comment: This variant is considered likely benign or benign based on one or more of the following criteria: it is a conservative change, it occurs at a poorly conserved position in the protein, it is predicted to be benign by multiple in silico algorithms, and/or has population frequency not consistent with disease.

NM_000238.4(KCNH2):c.1497C>T (p.Leu499=)

Gene: KCNH2 (potassium voltage-gated channel subfamily H member 2; minus strand). Cytogenetic location: 7q36.1.
Variant type: single nucleotide variant.
Coding change: c.1497C>T on transcript NM_000238.4 (MANE Select); coding-DNA position 1497, C replaced by T.
Protein change: p.Leu499=; no amino-acid change (leucine 499 retained).
Molecular consequence: synonymous variant. On other transcripts: non-coding transcript variant (2).
Genome position (GRCh38, 1-based): chr7:150,952,485, G>A on the plus strand (C>T on the coding strand, the complement: KCNH2 is on the minus strand). VCF-style: chr7-150952485-G-A. GRCh37 (hg19) VCF-style: chr7-150649573-G-A.
Other names: c.477C>T, p.Leu159= (NM_001204798.2, NM_172057.3); c.1209C>T, p.Leu403= (NM_001406753.1, NM_001406756.1); c.1320C>T, p.Leu440= (NM_001406755.1); c.1197C>T, p.Leu399= (NM_001406757.1); c.1497C>T, p.Leu499= (NM_172056.3).
Identifiers: ClinVar variation 677154 (VCV000677154.7), dbSNP rs926503173, ClinGen allele CA070348.
Genomic context (GRCh38, chr7:150,952,485, plus strand): 5'-CTCCTCAGAGCCAGAGCCGAAGATGAGCAGGTCGAAGGGGATGGCGGCCACCATGTCGAT[G>A]AGGAACCAGCCCTTGAAGTAGTGGACGGCGATGCGGCCGGGGTGGCTGACCACCTCCTCG-3'
Protein context (NP_000229.1, residues 489-509): IAVHYFKGWF[Leu499=]IDMVAAIPFD